The following is an entry in ClinVar:

ClinVar aggregate classification (germline): Uncertain significance (1 of 4 stars; one submission).

Submission:

Ambry Genetics
Classification: Uncertain significance. Last evaluated: 2021-09-07. Review status: criteria provided, single submitter. Criteria: Ambry Variant Classification Scheme 2023. Collection method: clinical testing. Allele origin: germline.
Comment: The p.S1493N variant (also known as c.4478G>A), located in coding exon 16 of the POLQ gene, results from a G to A substitution at nucleotide position 4478. The serine at codon 1493 is replaced by asparagine, an amino acid with highly similar properties. This amino acid position is conserved. In addition, this alteration is predicted to be tolerated by in silico analysis. Since supporting evidence is limited at this time, the clinical significance of this alteration remains unclear.

NM_199420.4(POLQ):c.4478G>A (p.Ser1493Asn)

Gene: POLQ (DNA polymerase theta; minus strand). Cytogenetic location: 3q13.33.
Variant type: single nucleotide variant.
Coding change: c.4478G>A on transcript NM_199420.4 (MANE Select); coding-DNA position 4478, G replaced by A.
Protein change: p.Ser1493Asn; replaces serine 1493 with asparagine.
Molecular consequence: missense variant.
Genome position (GRCh38, 1-based): chr3:121,488,453, C>T on the plus strand (G>A on the coding strand, the complement: POLQ is on the minus strand). VCF-style: chr3-121488453-C-T. GRCh37 (hg19) VCF-style: chr3-121207300-C-T.
Other names: short protein forms S1493N.
Identifiers: ClinVar variation 1740866 (VCV001740866.2), dbSNP rs2546785871, ClinGen allele CA354095006.
Genomic context (GRCh38, chr3:121,488,453, plus strand): 5'-AGGGGTTCTTTCATTTGCATATCAGGTAATTGTTCTTTTACTAGATAGTCATCACTGAAG[C>T]TATCAAATAGTAAACTATCACTCATATTCAAACTTGTTTCAGGAACTGGAAGACATTCTC-3'
Protein context (NP_955452.3, residues 1483-1503): LNMSDSLLFD[Ser1493Asn]FSDDYLVKEQ